The following is an entry in ClinVar:

ClinVar aggregate classification (germline): Uncertain significance. Review status: criteria provided, multiple submitters, no conflicts (2 of 4 stars). 3 submissions from 3 submitters: Uncertain significance (3). Last evaluated 2025-08-18.

Submissions (3):

Labcorp Genetics (formerly Invitae), Labcorp
Classification: Uncertain significance. Last evaluated: 2025-08-18. Review status: criteria provided, single submitter. Criteria: Invitae Variant Classification Sherloc (09022015). Collection method: clinical testing. Allele origin: germline.
Comment: This sequence change replaces proline, which is neutral and non-polar, with serine, which is neutral and polar, at codon 1534 of the COL11A2 protein (p.Pro1534Ser). Information on the frequency of this variant in the gnomAD database is not available, as this variant may be reported differently in the database. This missense change has been observed in individual(s) with adolescent idiopathic scoliosis and/or clinical features of Stickler syndrome (PMID: 25240749, 26566670). This variant is also known as PRO1427SER. ClinVar contains an entry for this variant (Variation ID: 1803515). Experimental studies and prediction algorithms are not available or were not evaluated, and the functional significance of this variant is currently unknown. In summary, the available evidence is currently insufficient to determine the role of this variant in disease. Therefore, it has been classified as a Variant of Uncertain Significance.

Women's Health and Genetics/Laboratory Corporation of America, LabCorp
Classification: Uncertain significance. Last evaluated: 2024-10-18. Review status: criteria provided, single submitter. Criteria: LabCorp Variant Classification Summary - May 2015. Collection method: clinical testing. Allele origin: germline.
Comment: Variant summary: COL11A2 c.4599_4600delinsGT (p.Pro1534Ser) results in a non-conservative amino acid change in the encoded protein sequence. Three of five in-silico tools predict a benign effect of the variant on protein function. The variant allele was found at a frequency of 2.5e-05 in 279550 control chromosomes. The available data on variant occurrences in the general population are insufficient to allow any conclusion about variant significance. To our knowledge, no occurrence of c.4599_4600delinsGT in individuals affected with COL11A2-Related Disorders and no experimental evidence demonstrating its impact on protein function have been reported. ClinVar contains an entry for this variant (Variation ID: 1803515). Based on the evidence outlined above, the variant was classified as uncertain significance.

GeneDx
Classification: Uncertain significance. Last evaluated: 2022-11-28. Review status: criteria provided, single submitter. Criteria: GeneDx Variant Classification Process June 2021. Collection method: clinical testing. Allele origin: germline. Affected: yes.
Comment: Identified as a variant of uncertain significance in a patient with Stickler syndrome in published literature (Acke et al., 2014); In silico analysis, which includes protein predictors and evolutionary conservation, supports that this variant does not alter protein structure/function; This variant is associated with the following publications: (PMID: 20672350, 25240749)

Literature cited by the submitters: PubMed 25240749 (cited by Labcorp Genetics (formerly Invitae), Labcorp); PubMed 26566670 (cited by Labcorp Genetics (formerly Invitae), Labcorp).

NM_080680.3(COL11A2):c.4599_4600delinsGT (p.Pro1534Ser)

Gene: COL11A2 (collagen type XI alpha 2 chain; minus strand). Cytogenetic location: 6p21.32.
Variant type: Indel.
Coding change: c.4599_4600delinsGT on transcript NM_080680.3 (MANE Select); coding-DNA positions 4599 to 4600, CC replaced by GT.
Protein change: p.Pro1534Ser; replaces proline 1534 with serine.
Molecular consequence: missense variant.
Genome position (GRCh38, 1-based): chr6:33,165,699-33,165,700, GG replaced by AC on the plus strand (CC replaced by GT on the coding strand, the reverse complement: COL11A2 is on the minus strand). VCF-style: chr6-33165699-GG-AC. GRCh37 (hg19) VCF-style: chr6-33133476-GG-AC.
Other names: c.4278_4279delinsGT, p.Pro1427Ser (NM_080679.3); c.4341_4342delinsGT, p.Pro1448Ser (NM_080681.3); short protein forms P1427S, P1448S, P1534S.
Identifiers: ClinVar variation 1803515 (VCV001803515.6), dbSNP rs2534458073, ClinGen allele CA2580074356.